The following is an entry in ClinVar:

ClinVar aggregate classification (germline): Uncertain significance (1 of 4 stars; one submission).

Allele frequency attached by ClinVar (database versions not stated): gnomAD exomes below 0.00001; ExAC 0.00001.
gnomAD v4.1: 1 of 1,614,020 alleles (0.000062%); highest among the groups gnomAD compares: South Asian, 0.0011%; no homozygotes.

Submission:

Labcorp Genetics (formerly Invitae), Labcorp
Classification: Uncertain significance. Last evaluated: 2022-08-21. Review status: criteria provided, single submitter. Criteria: Invitae Variant Classification Sherloc (09022015). Collection method: clinical testing. Allele origin: germline.
Comment: In summary, the available evidence is currently insufficient to determine the role of this variant in disease. Therefore, it has been classified as a Variant of Uncertain Significance. Algorithms developed to predict the effect of missense changes on protein structure and function (SIFT, PolyPhen-2, Align-GVGD) all suggest that this variant is likely to be disruptive. This variant has not been reported in the literature in individuals affected with STN1-related conditions. This variant is present in population databases (rs747038584, gnomAD 0.003%). This sequence change replaces valine, which is neutral and non-polar, with alanine, which is neutral and non-polar, at codon 155 of the STN1 protein (p.Val155Ala).

NM_024928.5(STN1):c.464T>C (p.Val155Ala)

Gene: STN1 (STN1 subunit of CST complex; minus strand). Cytogenetic location: 10q24.33.
Variant type: single nucleotide variant.
Coding change: c.464T>C on transcript NM_024928.5 (MANE Select); coding-DNA position 464, T replaced by C.
Protein change: p.Val155Ala; replaces valine 155 with alanine.
Molecular consequence: missense variant.
Genome position (GRCh38, 1-based): chr10:103,898,994, A>G on the plus strand (T>C on the coding strand, the complement: STN1 is on the minus strand). VCF-style: chr10-103898994-A-G. GRCh37 (hg19) VCF-style: chr10-105658752-A-G.
Other names: short protein forms V155A.
Identifiers: ClinVar variation 1717517 (VCV001717517.5), dbSNP rs747038584, ClinGen allele CA5676605.